The following is an entry in ClinVar:

NM_025137.4(SPG11):c.7115T>A (p.Leu2372Ter)

Gene: SPG11 (SPG11 vesicle trafficking associated, spatacsin; minus strand). Cytogenetic location: 15q21.1.
Variant type: single nucleotide variant.
Coding change: c.7115T>A on transcript NM_025137.4 (MANE Select); coding-DNA position 7115, T replaced by A.
Protein change: p.Leu2372Ter; replaces leucine 2372 with a stop codon.
Molecular consequence: nonsense.
Genome position (GRCh38, 1-based): chr15:44,564,583, A>T on the plus strand (T>A on the coding strand, the complement: SPG11 is on the minus strand). VCF-style: chr15-44564583-A-T. GRCh37 (hg19) VCF-style: chr15-44856781-A-T.
Other names: p.Leu2372*; c.6776T>A, p.Leu2259Ter (NM_001160227.2); short protein forms L2372*, L2259*.
Identifiers: ClinVar variation 216009 (VCV000216009.6), dbSNP rs762984907, ClinGen allele CA336254.

ClinVar aggregate classification (germline): Pathogenic/Likely pathogenic. Review status: criteria provided, multiple submitters, no conflicts (2 of 4 stars). 2 submissions from 2 submitters: Pathogenic (1); Likely pathogenic (1). Last evaluated 2023-10-23.

Conditions:
Hereditary spastic paraplegia 11. Also called: Spastic paraplegia, mental retardation and thin corpus callosum; SPASTIC PARAPLEGIA, AUTOSOMAL RECESSIVE, COMPLICATED, WITH THIN CORPUS CALLOSUM; SPASTIC PARAPLEGIA, AUTOSOMAL RECESSIVE, WITH MENTAL IMPAIRMENT AND THIN CORPUS CALLOSUM; Spastic Paraplegia 11; Nakamura Osame syndrome; Autosomal recessive hereditary spastic paraplegia, mental impairment, and thin corpus callosum. Identifiers: Orphanet 2822, MedGen C1858479, MONDO:0011445, OMIM 604360.

Allele frequency attached by ClinVar (database versions not stated): gnomAD exomes below 0.00001 and 0.00002; ExAC 0.00001; gnomAD 0.00001; TOPMed 0.00001.
gnomAD v4.1: 32 of 1,613,900 alleles (0.002%); highest among the groups gnomAD compares: Non-Finnish European, 0.0025%; no homozygotes.

Submissions (2):

Mayo Clinic Laboratories, Mayo Clinic
Classification: Likely pathogenic. Last evaluated: 2023-10-23. Review status: criteria provided, single submitter. Criteria: ACMG Guidelines, 2015. Collection method: clinical testing. Allele origin: germline. Observed: 1 variant allele.
Comment: PM2_moderate, PM3_strong, PVS1_moderate

Labcorp Genetics (formerly Invitae), Labcorp
Classification: Pathogenic for Hereditary spastic paraplegia 11. Last evaluated: 2022-10-03. Review status: criteria provided, single submitter. Criteria: Invitae Variant Classification Sherloc (09022015). Collection method: clinical testing. Allele origin: germline.
Comment: For these reasons, this variant has been classified as Pathogenic. This variant disrupts a region of the SPG11 protein in which other variant(s) (p.His2388Thrfs*6) have been determined to be pathogenic (Invitae). This suggests that this is a clinically significant region of the protein, and that variants that disrupt it are likely to be disease-causing. Algorithms developed to predict the effect of sequence changes on RNA splicing suggest that this variant may disrupt the consensus splice site. ClinVar contains an entry for this variant (Variation ID: 216009). This premature translational stop signal has been observed in individual(s) with hereditary spastic paraplegia (PMID: 27217339). This variant is present in population databases (rs762984907, gnomAD 0.0009%). This sequence change creates a premature translational stop signal (p.Leu2372*) in the SPG11 gene. While this is not anticipated to result in nonsense mediated decay, it is expected to disrupt the last 72 amino acid(s) of the SPG11 protein.

Literature cited by the submitters: PubMed 27217339 (cited by Mayo Clinic Laboratories, Mayo Clinic and Labcorp Genetics (formerly Invitae), Labcorp).